The following is an entry in ClinVar:

NM_001367561.1(DOCK7):c.1724A>T (p.Asn575Ile)

Gene: DOCK7 (dedicator of cytokinesis 7; minus strand). Cytogenetic location: 1p31.3.
Variant type: single nucleotide variant.
Coding change: c.1724A>T on transcript NM_001367561.1 (MANE Select); coding-DNA position 1724, A replaced by T.
Protein change: p.Asn575Ile; replaces asparagine 575 with isoleucine.
Molecular consequence: missense variant.
Genome position (GRCh38, 1-based): chr1:62,586,583, T>A on the plus strand (A>T on the coding strand, the complement: DOCK7 is on the minus strand). VCF-style: chr1-62586583-T-A. GRCh37 (hg19) VCF-style: chr1-63052254-T-A.
Other names: c.1724A>T, p.Asn575Ile (NM_001271999.2, NM_001272000.2, NM_001272001.2 and 3 more transcripts); short protein forms N575I.
Identifiers: ClinVar variation 475129 (VCV000475129.11), dbSNP rs147324128, ClinGen allele CA340630012.

ClinVar aggregate classification (germline): Uncertain significance (1 of 4 stars; one submission).

Conditions:
Developmental and epileptic encephalopathy, 23 (DEE23). Also called: Epileptic encephalopathy, early infantile, 23. Identifiers: Orphanet 411986, MedGen C4014492, MONDO:0014371, OMIM 615859.

gnomAD v4.1: 1 of 1,613,002 alleles (0.000062%); highest among the groups gnomAD compares: Non-Finnish European, 0.000085%; no homozygotes.

Submission:

Labcorp Genetics (formerly Invitae), Labcorp
Classification: Uncertain significance for Developmental and epileptic encephalopathy, 23. Last evaluated: 2024-01-19. Review status: criteria provided, single submitter. Criteria: Invitae Variant Classification Sherloc (09022015). Collection method: clinical testing. Allele origin: germline.
Comment: This sequence change replaces asparagine, which is neutral and polar, with isoleucine, which is neutral and non-polar, at codon 575 of the DOCK7 protein (p.Asn575Ile). This variant is not present in population databases (gnomAD no frequency). This variant has not been reported in the literature in individuals affected with DOCK7-related conditions. ClinVar contains an entry for this variant (Variation ID: 475129). Advanced modeling of protein sequence and biophysical properties (such as structural, functional, and spatial information, amino acid conservation, physicochemical variation, residue mobility, and thermodynamic stability) performed at Invitae indicates that this missense variant is expected to disrupt DOCK7 protein function with a positive predictive value of 80%. In summary, the available evidence is currently insufficient to determine the role of this variant in disease. Therefore, it has been classified as a Variant of Uncertain Significance.